The following is an entry in ClinVar:

NM_001006658.3(CR2):c.2040del (p.Phe680fs)

Gene: CR2 (complement C3d receptor 2; plus strand). Cytogenetic location: 1q32.2.
Variant type: Deletion.
Coding change: c.2040del on transcript NM_001006658.3 (MANE Select); coding-DNA position 2040, one base deleted (T; older notation c.2040delT).
Protein change: p.Phe680fs; shifts the reading frame from phenylalanine 680.
Molecular consequence: frameshift variant. On other transcripts: intron variant (1).
Genome position (GRCh38, 1-based): chr1:207,473,606, T deleted; the last of 3 consecutive T bases (chr1:207,473,604-207,473,606); deleting any one gives the same sequence. VCF-style (leftmost placement, unchanged base first): chr1-207473603-CT-C. GRCh37 (hg19) VCF-style: chr1-207646948-CT-C.
Other names: c.1979-195del (NM_001877.5); short protein forms F680fs.
Identifiers: ClinVar variation 2577879 (VCV002577879.4), dbSNP rs2527223934, ClinGen allele CA2580617434.
Genomic context (GRCh38, chr1:207,473,603, plus strand): 5'-AGGCTGCCAGTCACCTCCTGGGCTCCACCATGGTCGTCATACAGGTGGAAATACGGTCTT[CT>C]TTGTCTCTGGGATGACTGTAGACTACACTTGTGACCCTGGCTATTTGCTTGTGGGAAACA-3'

ClinVar aggregate classification (germline): Likely pathogenic. Review status: criteria provided, multiple submitters, no conflicts (2 of 4 stars). 2 submissions from 2 submitters: Likely pathogenic (2). Last evaluated 2023-08-31.

Conditions:
Immunodeficiency, common variable, 7. Identifiers: Orphanet 1572, Orphanet 696894, MedGen C3542922, MONDO:0013862, OMIM 614699.

Submissions (2):

Intergen Genetics and Rare Diseases Diagnosis Center
Classification: Likely pathogenic for Immunodeficiency, common variable, 7. Last evaluated: 2023-08-31. Review status: criteria provided, single submitter. Criteria: ACMG Guidelines, 2015. Collection method: clinical testing. Allele origin: unknown. Inheritance: Autosomal recessive inheritance. Observed: 1 heterozygote.

Juno Genomics, Hangzhou Juno Genomics, Inc
Classification: Likely pathogenic for Immunodeficiency, common variable, 7. Review status: criteria provided, single submitter. Criteria: ACMG Guidelines, 2015. Collection method: clinical testing. Allele origin: germline.
Comment: Null variant in a gene where loss of function (LOF) is a known mechanism of disease.;Absent from controls (or at extremely low frequency if recessive) in Genome Aggregation Database.